The following is an entry in ClinVar:

ClinVar aggregate classification (germline): not provided (0 of 4 stars; one submission).

Allele frequency attached by ClinVar (database versions not stated): gnomAD exomes 0.00004; 1000 Genomes Project 30x 0.00016; 1000 Genomes Project 0.00020; TOPMed 0.00055; gnomAD 0.00057 and 0.00060.

Submission:

Human Evolutionary Genetics, Institut Pasteur
No classification provided. Review status: no classification provided. Collection method: not provided. Allele origin: germline.
ClinVar note: Converted during submission from untested to not provided.

NM_001370466.1(NOD2):c.*80T>C

Genes: NOD2 (nucleotide binding oligomerization domain containing 2; plus strand), CYLD-AS1 (CYLD antisense RNA 1; minus strand). Cytogenetic location: 16q12.1.
Variant type: single nucleotide variant.
Coding change: c.*80T>C on transcript NM_001370466.1 (MANE Select); 80 bases downstream of the stop codon, T replaced by C.
Molecular consequence: 3 prime UTR variant. On other transcripts: non-coding transcript variant (1).
Genome position (GRCh38, 1-based): chr16:50,731,899, T>C. VCF-style: chr16-50731899-T-C. GRCh37 (hg19) VCF-style: chr16-50765810-T-C.
Other names: c.*80T>C (LRG_177t1, NM_001293557.2, NM_022162.3).
Identifiers: ClinVar variation 103113 (VCV000103113.2), dbSNP rs199475924, ClinGen allele CA230134.